The following is an entry in ClinVar:

ClinVar aggregate classification (germline): Uncertain significance. Review status: criteria provided, multiple submitters, no conflicts (2 of 4 stars). 3 submissions from 3 submitters: Uncertain significance (3). Last evaluated 2023-03-30.

Conditions:
Autism, susceptibility to, 15. Also called: Autism susceptibility 15. Identifiers: MedGen C2677504, MONDO:0012801, OMIM 612100.
Cortical dysplasia-focal epilepsy syndrome (PTHSL1). Also called: Pitt-Hopkins-like syndrome 1. Identifiers: Orphanet 163681, Orphanet 221150, MedGen C2750246, MONDO:0012400, OMIM 610042.

Allele frequency attached by ClinVar (database versions not stated): gnomAD exomes 0.00001; ExAC 0.00002.
gnomAD v4.1: 2 of 1,613,800 alleles (0.00012%); highest among the groups gnomAD compares: East Asian, 0.0022%; no homozygotes.

Submissions (3):

GeneDx
Classification: Uncertain significance. Last evaluated: 2023-03-30. Review status: criteria provided, single submitter. Criteria: GeneDx Variant Classification Process June 2021. Collection method: clinical testing. Allele origin: germline. Affected: yes.
Comment: Not observed at significant frequency in large population cohorts (gnomAD); In silico analysis supports that this missense variant has a deleterious effect on protein structure/function; Has not been previously published as pathogenic or benign to our knowledge

Labcorp Genetics (formerly Invitae), Labcorp
Classification: Uncertain significance for Cortical dysplasia-focal epilepsy syndrome. Last evaluated: 2022-08-09. Review status: criteria provided, single submitter. Criteria: Invitae Variant Classification Sherloc (09022015). Collection method: clinical testing. Allele origin: germline.
Comment: This sequence change replaces aspartic acid, which is acidic and polar, with asparagine, which is neutral and polar, at codon 1004 of the CNTNAP2 protein (p.Asp1004Asn). This variant also falls at the last nucleotide of exon 18, which is part of the consensus splice site for this exon. This variant is present in population databases (rs748508785, gnomAD 0.01%). This variant has not been reported in the literature in individuals affected with CNTNAP2-related conditions. ClinVar contains an entry for this variant (Variation ID: 452326). Algorithms developed to predict the effect of missense changes on protein structure and function are either unavailable or do not agree on the potential impact of this missense change (SIFT: "Deleterious"; PolyPhen-2: "Possibly Damaging"; Align-GVGD: "Class C15"). Variants that disrupt the consensus splice site are a relatively common cause of aberrant splicing (PMID: 17576681, 9536098). Algorithms developed to predict the effect of sequence changes on RNA splicing suggest that this variant may disrupt the consensus splice site. In summary, the available evidence is currently insufficient to determine the role of this variant in disease. Therefore, it has been classified as a Variant of Uncertain Significance.

Center for Genomics, Ann and Robert H. Lurie Children's Hospital of Chicago
Classification: Uncertain significance for Cortical dysplasia-focal epilepsy syndrome; Autism, susceptibility to, 15. Review status: criteria provided, single submitter. Criteria: ACMG Guidelines, 2015. Collection method: clinical testing. Allele origin: germline.
Comment: CNTNAP2 NM_014141.5 exon 18 p.Asp1004Asn (c.3010G>A):This variant has not been reported in the literature but is present in 2/17248 East Asian alleles in the Genome Aggregation Database. This variant is present in ClinVar (Variation ID:452326). Evolutionary conservation and computational predictive tools suggest that this variant may impact the protein. Of note, this variant occurs in the last nucleotide of the exon; however, computational prediction tools do not suggest that it may alter splicing. In summary, data on this variant is insufficient for disease classification. Therefore, the clinical significance of this variant is uncertain

Literature cited by the submitters: PubMed 17576681 (cited by Labcorp Genetics (formerly Invitae), Labcorp); PubMed 9536098 (cited by Labcorp Genetics (formerly Invitae), Labcorp).

NM_014141.6(CNTNAP2):c.3010G>A (p.Asp1004Asn)

Genes: CNTNAP2 (contactin associated protein 2; plus strand), LOC126860216 (BRD4-independent group 4 enhancer GRCh37_chr7:147868766-147869965; plus strand). Cytogenetic location: 7q35.
Variant type: single nucleotide variant.
Coding change: c.3010G>A on transcript NM_014141.6 (MANE Select); coding-DNA position 3010, G replaced by A.
Protein change: p.Asp1004Asn; replaces aspartic acid 1004 with asparagine.
Molecular consequence: missense variant.
Genome position (GRCh38, 1-based): chr7:148,172,478, G>A. VCF-style: chr7-148172478-G-A. GRCh37 (hg19) VCF-style: chr7-147869570-G-A.
Other names: short protein forms D1004N.
Identifiers: ClinVar variation 452326 (VCV000452326.16), dbSNP rs748508785, ClinGen allele CA4546514.